The following is an entry in ClinVar:

NM_001008723.2(CFAP58):c.1134A>G (p.Ala378=)

Gene: CFAP58 (cilia and flagella associated protein 58; plus strand). Cytogenetic location: 10q25.1.
Variant type: single nucleotide variant.
Coding change: c.1134A>G on transcript NM_001008723.2 (MANE Select); coding-DNA position 1134, A replaced by G.
Protein change: p.Ala378=; no amino-acid change (alanine 378 retained).
Molecular consequence: synonymous variant.
Genome position (GRCh38, 1-based): chr10:104,376,854, A>G. VCF-style: chr10-104376854-A-G. GRCh37 (hg19) VCF-style: chr10-106136612-A-G.
Other names: c.1080A>G, p.Ala360= (NM_001400226.1, NM_001400227.1).
Identifiers: ClinVar variation 3389713 (VCV003389713.14).

ClinVar aggregate classification (germline): Likely benign (1 of 4 stars; one submission).

Submission:

CeGaT Center for Human Genetics Tuebingen
Classification: Likely benign. Last evaluated: 2024-09-01. Review status: criteria provided, single submitter. Criteria: CeGaT Center For Human Genetics Tuebingen Variant Classification Criteria Version 2. Collection method: clinical testing. Allele origin: germline. Affected: yes. Observed: 1 variant allele.
Comment: CFAP58: PM2:Supporting, BP4, BP7